The following is an entry in ClinVar:

ClinVar aggregate classification (germline): Likely pathogenic (1 of 4 stars; one submission).

Conditions:
Wieacker-Wolff syndrome. Also called: MENTAL RETARDATION, X-LINKED, SYNDROMIC 4; MENTAL RETARDATION, X-LINKED, WITH CONGENITAL CONTRACTURES AND LOW FINGERTIP ARCHES; APRAXIA, OCULOMOTOR, WITH CONGENITAL CONTRACTURES AND MUSCLE ATROPHY; CONTRACTURES OF FEET, MUSCLE ATROPHY, AND OCULOMOTOR APRAXIA; Intellectual disability-developmental delay-contractures syndrome; Miles-Carpenter syndrome. Identifiers: Orphanet 3454, Orphanet 85283, MedGen C0796200, MONDO:0010758, OMIM 314580.
Wieacker-Wolff syndrome, female-restricted (WRWFFR). Identifiers: MedGen C5393303, MONDO:0026762, OMIM 301041.

Submission:

Juno Genomics, Hangzhou Juno Genomics, Inc
Classification: Likely pathogenic for Wieacker-Wolff syndrome; Wieacker-Wolff syndrome, female-restricted. Review status: criteria provided, single submitter. Criteria: ACMG Guidelines, 2015. Collection method: clinical testing. Allele origin: germline. Affected: yes.
Comment: Absent from controls (or at extremely low frequency if recessive) in Genome Aggregation Database, Exome Sequencing Project, 1000 Genomes Project, or Exome Aggregation Consortium.;Null variant in a gene where loss of function (LOF) is a known mechanism of disease.;Assumed de novo, but without confirmation of paternity and maternity.

NM_018684.4(ZC4H2):c.561+2T>C

Gene: ZC4H2 (zinc finger C4H2-type containing; minus strand). Cytogenetic location: Xq11.2.
Variant type: single nucleotide variant.
Coding change: c.561+2T>C on transcript NM_018684.4 (MANE Select); the canonical splice donor site of the intron after coding-DNA position 561, T replaced by C.
Molecular consequence: splice donor variant. On other transcripts: intron variant (1).
Genome position (GRCh38, 1-based): chrX:64,919,040, A>G on the plus strand (T>C on the coding strand, the complement: ZC4H2 is on the minus strand). VCF-style: chrX-64919040-A-G. GRCh37 (hg19) VCF-style: chrX-64138920-A-G.
Other names: c.492+2T>C (NM_001243804.2, NM_001178032.3); c.398+1041T>C (NM_001178033.3).
Identifiers: ClinVar variation 3899336 (VCV003899336.3).